The following is an entry in ClinVar:

ClinVar aggregate classification (germline): Pathogenic (1 of 4 stars; one submission).

Conditions:
Schimke immuno-osseous dysplasia (SIOD). Also called: Schimke Immunoosseous Dysplasia. Identifiers: Orphanet 1830, MedGen C0877024, MONDO:0009458, OMIM 242900.

Allele frequency attached by ClinVar (database versions not stated): gnomAD exomes below 0.00001; ExAC 0.00001; gnomAD 0.00001; TOPMed 0.00002; ESP Exome Variant Server 0.00008.
gnomAD v4.1: 2 of 1,613,964 alleles (0.00012%); highest among the groups gnomAD compares: African/African-American, 0.0013%; no homozygotes.

Submission:

Labcorp Genetics (formerly Invitae), Labcorp
Classification: Pathogenic for Schimke immuno-osseous dysplasia. Last evaluated: 2023-11-22. Review status: criteria provided, single submitter. Criteria: Invitae Variant Classification Sherloc (09022015). Collection method: clinical testing. Allele origin: germline.
Comment: This sequence change creates a premature translational stop signal (p.Ser625*) in the SMARCAL1 gene. It is expected to result in an absent or disrupted protein product. Loss-of-function variants in SMARCAL1 are known to be pathogenic (PMID: 11799392, 20301550). This variant is not present in population databases (gnomAD no frequency). This premature translational stop signal has been observed in individual(s) with Schimke immunoosseous dysplasia (PMID: 11799392). In at least one individual the data is consistent with being in trans (on the opposite chromosome) from a pathogenic variant. For these reasons, this variant has been classified as Pathogenic.

Literature cited by the submitters: PubMed 11799392; PubMed 20301550.

NM_014140.4(SMARCAL1):c.1874C>G (p.Ser625Ter)

Gene: SMARCAL1 (SNF2 related chromatin remodeling annealing helicase 1; plus strand). Cytogenetic location: 2q35.
Variant type: single nucleotide variant.
Coding change: c.1874C>G on transcript NM_014140.4 (MANE Select); coding-DNA position 1874, C replaced by G.
Protein change: p.Ser625Ter; replaces serine 625 with a stop codon.
Molecular consequence: nonsense.
Genome position (GRCh38, 1-based): chr2:216,450,868, C>G. VCF-style: chr2-216450868-C-G. GRCh37 (hg19) VCF-style: chr2-217315591-C-G.
Other names: c.1874C>G, p.Ser625Ter (NM_001127207.2); short protein forms S625*.
Identifiers: ClinVar variation 2734390 (VCV002734390.3), dbSNP rs150715355, ClinGen allele CA2098046.